The following is an entry in ClinVar:

NC_000016.10:g.23641315C>G

Gene: PALB2 (partner and localizer of BRCA2; minus strand). Cytogenetic location: 16p12.2.
Variant type: single nucleotide variant.
Genome position: GRCh38 VCF-style: chr16-23641315-C-G. GRCh37 (hg19) VCF-style: chr16-23652636-C-G.
Other names: c.-158G>C (NM_024675.3).
Identifiers: ClinVar variation 126571 (VCV000126571.36), dbSNP rs138200248, ClinGen allele CA269467.
Genomic context (GRCh38, chr16:23,641,315, plus strand): 5'-GGAATGGGGAGCCCGGGATCGCACCCTCAGTGCGCGATCAGCTGACCCACGCGGGCCAAG[C>G]GCGCCCTAAACTCCGGCCAATTAAATCCACCATTCGGCCTGCGCACGCGCAGCCGTAGAC-3'

ClinVar aggregate classification (germline): Conflicting classifications of pathogenicity. Review status: criteria provided, conflicting classifications (1 of 4 stars). 4 submissions from 4 submitters: Uncertain significance (1); Likely benign (2). 1 of the submissions does not count toward it. Last evaluated 2026-09-01.

Conditions:
Familial cancer of breast. Also called: BREAST CANCER, FAMILIAL; hereditary breast carcinoma; Hereditary breast cancer. Identifiers: Orphanet 227535, MedGen C0346153, MONDO:0016419, OMIM 114480. Disease mechanism: loss of function.
Fanconi anemia complementation group N. Also called: PALB2-Related Fanconi Anemia. Identifiers: Orphanet 84, MedGen C1835817, MONDO:0012565, OMIM 610832. Disease mechanism: loss of function.

Allele frequency attached by ClinVar (database versions not stated): 1000 Genomes Project 30x 0.00109; TOPMed 0.00292; gnomAD 0.00631 and 0.00598; 1000 Genomes Project 0.00140.

Submissions (4):

CeGaT Center for Human Genetics Tuebingen
Classification: Likely benign. Last evaluated: 2026-09-01. Review status: criteria provided, single submitter. Criteria: CeGaT Center For Human Genetics Tuebingen Variant Classification Criteria Version 2. Collection method: clinical testing. Allele origin: germline. Affected: yes. Observed: 45 variant alleles.
Comment: PALB2: BS2

GeneDx
Classification: Likely benign. Last evaluated: 2018-06-18. Review status: criteria provided, single submitter. Criteria: GeneDx Variant Classification (06012015). Collection method: clinical testing. Allele origin: germline. Affected: yes.
Comment: This variant is considered likely benign or benign based on one or more of the following criteria: it is a conservative change, it occurs at a poorly conserved position in the protein, it is predicted to be benign by multiple in silico algorithms, and/or has population frequency not consistent with disease.

Illumina Laboratory Services, Illumina
Classification: Uncertain significance for Fanconi anemia complementation group N. Last evaluated: 2018-01-13. Review status: criteria provided, single submitter. Criteria: ICSL Variant Classification Criteria 13 December 2019. Collection method: clinical testing. Allele origin: germline.

Leiden Open Variation Database
Classification: Likely benign for Familial cancer of breast. Last evaluated: 2019-05-13. Review status: no assertion criteria provided. Collection method: curation. Allele origin: germline. Affected: yes. Not counted in ClinVar's aggregate classification.
Comment: Curators: Marc Tischkowitz, Arleen D. Auerbach. Submitter to LOVD: Marc Tischkowitz.

Literature cited by the submitters: PubMed 21285249 (cited by Leiden Open Variation Database); PubMed 21618343 (cited by Leiden Open Variation Database); PubMed 22052327 (cited by Leiden Open Variation Database); PubMed 23824750 (cited by Leiden Open Variation Database).